The following is an entry in ClinVar:

NM_020937.4(FANCM):c.5269C>A (p.Gln1757Lys)

Gene: FANCM (FA complementation group M; plus strand). Cytogenetic location: 14q21.2.
Variant type: single nucleotide variant.
Coding change: c.5269C>A on transcript NM_020937.4 (MANE Select); coding-DNA position 5269, C replaced by A.
Protein change: p.Gln1757Lys; replaces glutamine 1757 with lysine.
Molecular consequence: missense variant.
Genome position (GRCh38, 1-based): chr14:45,189,291, C>A. VCF-style: chr14-45189291-C-A. GRCh37 (hg19) VCF-style: chr14-45658494-C-A.
Other names: c.5191C>A, p.Gln1731Lys (NM_001308133.2); short protein forms Q1757K, Q1731K.
Identifiers: ClinVar variation 4022602 (VCV004022602.1).

ClinVar aggregate classification (germline): Uncertain significance (1 of 4 stars; one submission).

Conditions:
Inborn genetic diseases. Identifiers: MedGen C0950123, MeSH D030342.

Submission:

Ambry Genetics
Classification: Uncertain significance for Inborn genetic diseases. Last evaluated: 2025-03-22. Review status: criteria provided, single submitter. Criteria: Ambry Variant Classification Scheme 2023. Collection method: clinical testing. Allele origin: germline.
Comment: The p.Q1757K variant (also known as c.5269C>A), located in coding exon 20 of the FANCM gene, results from a C to A substitution at nucleotide position 5269. The glutamine at codon 1757 is replaced by lysine, an amino acid with similar properties. This amino acid position is conserved. In addition, this alteration is predicted to be tolerated by in silico analysis. Based on the available evidence, the clinical significance of this variant remains unclear.